The following is an entry in ClinVar:

ClinVar aggregate classification (germline): Uncertain significance (1 of 4 stars; one submission).

Conditions:
Charcot-Marie-Tooth disease type 2. Also called: Charcot-Marie-Tooth type 2. Identifiers: Orphanet 64746, MedGen C0270914, MONDO:0018993.

Submission:

Labcorp Genetics (formerly Invitae), Labcorp
Classification: Uncertain significance for Charcot-Marie-Tooth disease type 2. Last evaluated: 2024-10-18. Review status: criteria provided, single submitter. Criteria: Invitae Variant Classification Sherloc (09022015). Collection method: clinical testing. Allele origin: germline.
Comment: This sequence change replaces leucine, which is neutral and non-polar, with proline, which is neutral and non-polar, at codon 753 of the MFN2 protein (p.Leu753Pro). This variant is not present in population databases (gnomAD no frequency). This missense change has been observed in individual(s) with clinical features of autosomal dominant Charcot-Marie-Tooth disease (internal data). ClinVar contains an entry for this variant (Variation ID: 835870). Invitae Evidence Modeling of protein sequence and biophysical properties (such as structural, functional, and spatial information, amino acid conservation, physicochemical variation, residue mobility, and thermodynamic stability) indicates that this missense variant is expected to disrupt MFN2 protein function with a positive predictive value of 95%. In summary, the available evidence is currently insufficient to determine the role of this variant in disease. Therefore, it has been classified as a Variant of Uncertain Significance.

NM_014874.4(MFN2):c.2258T>C (p.Leu753Pro)

Gene: MFN2 (mitofusin 2; plus strand). Cytogenetic location: 1p36.22.
Variant type: single nucleotide variant.
Coding change: c.2258T>C on transcript NM_014874.4 (MANE Select); coding-DNA position 2258, T replaced by C.
Protein change: p.Leu753Pro; replaces leucine 753 with proline.
Molecular consequence: missense variant.
Genome position (GRCh38, 1-based): chr1:12,011,549, T>C. VCF-style: chr1-12011549-T-C. GRCh37 (hg19) VCF-style: chr1-12071606-T-C.
Other names: c.2258T>C, p.Leu753Pro (NM_001127660.2); short protein forms L753P.
Identifiers: ClinVar variation 835870 (VCV000835870.9), dbSNP rs1639699426, ClinGen allele CA338454581.
Genomic context (GRCh38, chr1:12,011,549, plus strand): 5'-TTTGCAGGAATAAAGCCGGTTGGTTGGACAGTGAGCTCAACATGTTCACACACCAGTACC[T>C]GCAGCCCAGCAGATAGTGGGCACCTGAGGCGGAGTCTGCGTGGAGAGGGGCGGTGCTGCC-3'
Protein context (NP_055689.1, residues 743-757): SELNMFTHQY[Leu753Pro]QPSR